The following is an entry in ClinVar:

ClinVar aggregate classification (germline): Likely benign. Review status: criteria provided, multiple submitters, no conflicts (2 of 4 stars). 3 submissions from 3 submitters: Likely benign (3). Last evaluated 2025-12-23.

Conditions:
Hereditary cancer-predisposing syndrome. Also called: Neoplastic Syndromes, Hereditary; Tumor predisposition; Hereditary Cancer Syndrome; Hereditary neoplastic syndrome. Identifiers: Orphanet 140162, MedGen C0027672, MeSH D009386, MONDO:0015356.
Gorlin syndrome. Also called: Nevoid Basal Cell Carcinoma Syndrome; Basal cell nevus syndrome. Identifiers: Orphanet 377, MedGen C0004779, MONDO:0007187.
PTCH1-related disorder. Also called: PTCH1-related disorders; PTCH1-related condition.

Allele frequency attached by ClinVar (database versions not stated): TOPMed below 0.00001.
gnomAD v4.1: 26 of 1,614,218 alleles (0.0016%); highest among the groups gnomAD compares: Non-Finnish European, 0.0021%; no homozygotes.

Submissions (3):

Labcorp Genetics (formerly Invitae), Labcorp
Classification: Likely benign for Gorlin syndrome. Last evaluated: 2025-12-23. Review status: criteria provided, single submitter. Criteria: Invitae Variant Classification Sherloc (09022015). Collection method: clinical testing. Allele origin: germline.

PreventionGenetics, part of Exact Sciences
Classification: Likely benign for PTCH1-related condition. Last evaluated: 2025-05-29. Review status: criteria provided, single submitter. Criteria: ACMG Guidelines, 2015. Collection method: clinical testing. Allele origin: germline.
Comment: This variant is classified as likely benign based on ACMG/AMP sequence variant interpretation guidelines (Richards et al. 2015 PMID: 25741868, with internal and published modifications).

Ambry Genetics
Classification: Likely benign for Hereditary cancer-predisposing syndrome. Last evaluated: 2020-02-06. Review status: criteria provided, single submitter. Criteria: Ambry Variant Classification Scheme 2023. Collection method: clinical testing. Allele origin: germline.

NM_000264.5(PTCH1):c.4230G>A (p.Glu1410=)

Gene: PTCH1 (patched 1; minus strand). Cytogenetic location: 9q22.32.
Variant type: single nucleotide variant.
Coding change: c.4230G>A on transcript NM_000264.5 (MANE Select); coding-DNA position 4230, G replaced by A.
Protein change: p.Glu1410=; no amino-acid change (glutamic acid 1410 retained).
Molecular consequence: synonymous variant. On other transcripts: non-coding transcript variant (1).
Genome position (GRCh38, 1-based): chr9:95,447,026, C>T on the plus strand (G>A on the coding strand, the complement: PTCH1 is on the minus strand). VCF-style: chr9-95447026-C-T. GRCh37 (hg19) VCF-style: chr9-98209308-C-T.
Other names: c.4032G>A, p.Glu1344= (NM_001083602.3); c.4227G>A, p.Glu1409= (NM_001083603.3); c.3777G>A, p.Glu1259= (NM_001083604.3, NM_001083605.3, NM_001083606.3 and 1 more transcripts); c.4074G>A, p.Glu1358= (NM_001354918.2).
Identifiers: ClinVar variation 215704 (VCV000215704.13), dbSNP rs774528758, ClinGen allele CA339021.